The following is an entry in ClinVar:

NM_000051.4(ATM):c.5954C>G (p.Thr1985Ser)

Genes: ATM (ATM serine/threonine kinase; plus strand), C11orf65 (chromosome 11 open reading frame 65; minus strand). Cytogenetic location: 11q22.3.
Variant type: single nucleotide variant.
Coding change: c.5954C>G on transcript NM_000051.4 (MANE Select); coding-DNA position 5954, C replaced by G.
Protein change: p.Thr1985Ser; replaces threonine 1985 with serine.
Molecular consequence: missense variant. On other transcripts: intron variant (2).
Genome position (GRCh38, 1-based): chr11:108,312,446, C>G. VCF-style: chr11-108312446-C-G. GRCh37 (hg19) VCF-style: chr11-108183173-C-G.
Other names: c.5954C>G, p.Thr1985Ser (NM_001351834.2); c.641-3375G>C (NM_001330368.2); c.*39-3375G>C (NM_001351110.2); short protein forms T1985S.
Identifiers: ClinVar variation 1750697 (VCV001750697.2), dbSNP rs1207215818, ClinGen allele CA382548700.
Genomic context (GRCh38, chr11:108,312,446, plus strand): 5'-AAAGAGGTGTTCTTGTGACAAACAGAAGTCTTGCATTTGAAGAAGGAAGCCAGAGTACAA[C>G]TATTTCTAGCTTGAGTGAAAAAAGTAAAGAAGAAACTGGAATAAGTTTACAGGTAAATAT-3'
Protein context (NP_000042.3, residues 1975-1995): LAFEEGSQST[Thr1985Ser]ISSLSEKSKE

ClinVar aggregate classification (germline): Uncertain significance (1 of 4 stars; one submission).

Conditions:
Hereditary cancer-predisposing syndrome. Also called: Hereditary neoplastic syndrome; Neoplastic Syndromes, Hereditary; Tumor predisposition; Hereditary Cancer Syndrome. Identifiers: Orphanet 140162, MedGen C0027672, MeSH D009386, MONDO:0015356.

Allele frequency attached by ClinVar (database versions not stated): gnomAD 0.00001.
gnomAD v4.1: 1 of 1,595,734 alleles (0.000063%); highest among the groups gnomAD compares: East Asian, 0.0022%; no homozygotes.

Submission:

Ambry Genetics
Classification: Uncertain significance for Hereditary cancer-predisposing syndrome. Last evaluated: 2020-12-29. Review status: criteria provided, single submitter. Criteria: Ambry Variant Classification Scheme 2023. Collection method: clinical testing. Allele origin: germline.
Comment: The p.T1985S variant (also known as c.5954C>G), located in coding exon 39 of the ATM gene, results from a C to G substitution at nucleotide position 5954. The threonine at codon 1985 is replaced by serine, an amino acid with similar properties. This amino acid position is not well conserved in available vertebrate species. In addition, this alteration is predicted to be tolerated by in silico analysis. Since supporting evidence is limited at this time, the clinical significance of this alteration remains unclear.